The following is an entry in ClinVar:

ClinVar aggregate classification (germline): Uncertain significance (1 of 4 stars; one submission).

Allele frequency attached by ClinVar (database versions not stated): gnomAD 0.00001.
gnomAD v4.1: 11 of 1,613,858 alleles (0.00068%); highest among the groups gnomAD compares: Middle Eastern, 0.016%; no homozygotes.

Submission:

Labcorp Genetics (formerly Invitae), Labcorp
Classification: Uncertain significance. Last evaluated: 2023-09-19. Review status: criteria provided, single submitter. Criteria: Invitae Variant Classification Sherloc (09022015). Collection method: clinical testing. Allele origin: germline.
Comment: In summary, the available evidence is currently insufficient to determine the role of this variant in disease. Therefore, it has been classified as a Variant of Uncertain Significance. Algorithms developed to predict the effect of sequence changes on RNA splicing suggest that this variant may disrupt the consensus splice site. Advanced modeling of protein sequence and biophysical properties (such as structural, functional, and spatial information, amino acid conservation, physicochemical variation, residue mobility, and thermodynamic stability) performed at Invitae indicates that this missense variant is not expected to disrupt THPO protein function. This variant has not been reported in the literature in individuals affected with THPO-related conditions. This variant is present in population databases (no rsID available, gnomAD 0.01%). This sequence change replaces valine, which is neutral and non-polar, with methionine, which is neutral and non-polar, at codon 160 of the THPO protein (p.Val160Met).

NM_000460.4(THPO):c.478G>A (p.Val160Met)

Gene: THPO (thrombopoietin; minus strand). Cytogenetic location: 3q27.1.
Variant type: single nucleotide variant.
Coding change: c.478G>A on transcript NM_000460.4 (MANE Select); coding-DNA position 478, G replaced by A.
Protein change: p.Val160Met; replaces valine 160 with methionine.
Molecular consequence: missense variant. On other transcripts: splice donor variant (2).
Genome position (GRCh38, 1-based): chr3:184,373,097, C>T on the plus strand (G>A on the coding strand, the complement: THPO is on the minus strand). VCF-style: chr3-184373097-C-T. GRCh37 (hg19) VCF-style: chr3-184090885-C-T.
Other names: c.466G>A, p.Val156Met (NM_001177597.2, NM_001290022.1); c.461G>A, p.Gly154Asp (NM_001177598.2, NM_001290026.1); c.478G>A, p.Val160Met (NM_001289998.1, NM_001290028.1); c.898G>A, p.Val300Met (NM_001290003.1); c.477+1G>A (NM_001290027.1, NM_001289997.1); short protein forms V156M, G154D, V300M, V160M.
Identifiers: ClinVar variation 2965825 (VCV002965825.3), dbSNP rs1408881253, ClinGen allele CA355462433.
Genomic context (GRCh38, chr3:184,373,097, plus strand): 5'-TGGTGGGTGGGGCCCGCCTGACGCAGAGGGTGGACCCTCCTACAAGCATCAGGAAACGCA[C>T]CTTTCCTCGGAGCAGGTGTTGGAAGCTCAGGAAGATGGCATTGGGATCCTTGTGAGCTGT-3'
Protein context (NP_000451.1, residues 150-170): LSFQHLLRGK[Val160Met]RFLMLVGGST